The following is an entry in ClinVar:

NM_002878.4(RAD51D):c.82+18_82+34del

Genes: RAD51L3-RFFL (RAD51L3-RFFL readthrough; minus strand), RAD51D (RAD51 paralog D; minus strand). Cytogenetic location: 17q12.
Variant type: Deletion.
Coding change: c.82+18_82+34del on transcript NM_002878.4 (MANE Select); bases 18 to 34 of the intron after coding-DNA position 82, 17 bases deleted (TGCCAGGGAGCCGCGCG).
Molecular consequence: intron variant.
Genome position (GRCh38, 1-based): chr17:35,119,498-35,119,514, CGCGCGGCTCCCTGGCA deleted on the plus strand (TGCCAGGGAGCCGCGCG on the coding strand, the reverse complement: RAD51D is on the minus strand); deleting any 17 consecutive bases within chr17:35,119,498-35,119,519 gives the same sequence; the c. name uses the placement nearest the transcript's 3' end. VCF-style (leftmost placement, unchanged base first): chr17-35119497-CCGCGCGGCTCCCTGGCA-C. GRCh37 (hg19) VCF-style: chr17-33446516-CCGCGCGGCTCCCTGGCA-C.
Other names: c.82+18_82+34del (NM_133629.3, NM_001142571.2).
Identifiers: ClinVar variation 3646027 (VCV003646027.2).

ClinVar aggregate classification (germline): Uncertain significance (1 of 4 stars; one submission).

Conditions:
Breast-ovarian cancer, familial, susceptibility to, 4. Identifiers: Orphanet 145, MedGen C3280345, MONDO:0013669, OMIM 614291.

Submission:

Labcorp Genetics (formerly Invitae), Labcorp
Classification: Uncertain significance for Breast-ovarian cancer, familial, susceptibility to, 4. Last evaluated: 2026-01-05. Review status: criteria provided, single submitter. Criteria: Invitae Variant Classification Sherloc (09022015). Collection method: clinical testing. Allele origin: germline.
Comment: This sequence change falls in intron 1 of the RAD51D gene. It does not directly change the encoded amino acid sequence of the RAD51D protein. This variant is not present in population databases (gnomAD no frequency). This variant has not been reported in the literature in individuals affected with RAD51D-related conditions. ClinVar contains an entry for this variant (Variation ID: 3646027). Experimental studies and prediction algorithms are not available or were not evaluated, and the effect of this variant on mRNA splicing is currently unknown. In summary, the available evidence is currently insufficient to determine the role of this variant in disease. Therefore, it has been classified as a Variant of Uncertain Significance.